The following is an entry in ClinVar:

ClinVar aggregate classification (germline): Conflicting classifications of pathogenicity. Review status: criteria provided, conflicting classifications (1 of 4 stars). 2 submissions from 2 submitters: Uncertain significance (1); Likely benign (1). Last evaluated 2026-09-04.

Conditions:
Hereditary cancer-predisposing syndrome. Also called: Hereditary Cancer Syndrome; Hereditary neoplastic syndrome; Neoplastic Syndromes, Hereditary; Tumor predisposition. Identifiers: Orphanet 140162, MedGen C0027672, MeSH D009386, MONDO:0015356.
Familial adenomatous polyposis 2. Also called: COLORECTAL ADENOMATOUS POLYPOSIS, AUTOSOMAL RECESSIVE; ADENOMAS, MULTIPLE COLORECTAL, AUTOSOMAL RECESSIVE; MUTYH-associated polyposis; MUTYH-related attenuated familial adenomatous polyposis; MYH-associated polyposis; MUTYH Polyposis. Identifiers: Orphanet 220460, Orphanet 247798, MedGen C3272841, MONDO:0012041, OMIM 608456.

Submissions (2):

Ambry Genetics
Classification: Likely benign for Hereditary cancer-predisposing syndrome. Last evaluated: 2026-09-04. Review status: criteria provided, single submitter. Criteria: Ambry Variant Classification Scheme 2023. Collection method: clinical testing. Allele origin: germline.

Labcorp Genetics (formerly Invitae), Labcorp
Classification: Uncertain significance for Familial adenomatous polyposis 2. Last evaluated: 2025-06-17. Review status: criteria provided, single submitter. Criteria: Invitae Variant Classification Sherloc (09022015). Collection method: clinical testing. Allele origin: germline.
Comment: This sequence change replaces alanine, which is neutral and non-polar, with glycine, which is neutral and non-polar, at codon 66 of the MUTYH protein (p.Ala66Gly). This variant is not present in population databases (gnomAD no frequency). This variant has not been reported in the literature in individuals affected with MUTYH-related conditions. ClinVar contains an entry for this variant (Variation ID: 1783778). An algorithm developed to predict the effect of missense changes on protein structure and function (PolyPhen-2) suggests that this variant is likely to be tolerated. In summary, the available evidence is currently insufficient to determine the role of this variant in disease. Therefore, it has been classified as a Variant of Uncertain Significance.

NM_001128425.2(MUTYH):c.197C>G (p.Ala66Gly)

Gene: MUTYH (mutY DNA glycosylase; minus strand). Cytogenetic location: 1p34.1.
Variant type: single nucleotide variant.
Coding change: c.197C>G on transcript NM_001128425.2 (MANE Plus Clinical); coding-DNA position 197, C replaced by G.
Protein change: p.Ala66Gly; replaces alanine 66 with glycine.
Molecular consequence: missense variant. On other transcripts: intron variant (8).
Genome position (GRCh38, 1-based): chr1:45,333,564, G>C on the plus strand (C>G on the coding strand, the complement: MUTYH is on the minus strand). VCF-style: chr1-45333564-G-C. GRCh37 (hg19) VCF-style: chr1-45799236-G-C.
Other names: c.116C>G, p.Ala39Gly (NM_001048172.2, NM_001407071.1, NM_001407078.1 and 2 more transcripts); c.158C>G, p.Ala53Gly (NM_001293190.2); c.146C>G, p.Ala49Gly (NM_001293191.2, NM_001407077.1); c.188C>G, p.Ala63Gly (NM_001407069.1, NM_012222.3); c.29C>G, p.Ala10Gly (NM_001407075.1); c.155C>G, p.Ala52Gly (NM_001407083.1, NM_001407085.1); c.134C>G, p.Ala45Gly (NM_001407087.1); c.-92-67C>G (NM_001350651.2); and 3 more; short protein forms A39G, A45G, A49G, A66G, A10G, A52G, A53G, A63G.
Identifiers: ClinVar variation 1783778 (VCV001783778.6), dbSNP rs1286046243, ClinGen allele CA340136730.
Genomic context (GRCh38, chr1:45,333,564, plus strand): 5'-AGATGGTATGAGGAGACAGAGGCCTGCAATACCACCTCTTCCGGCTGCCTGGCCAGGCCT[G>C]CTGGGGCCCCAGGACACTCAGCAATCATCCCTGCACAGGCTGTGCATCAGGGTCTTGGGA-3'
Protein context (NP_001121897.1, residues 56-76): GMIAECPGAP[Ala66Gly]GLARQPEEVV